The following is an entry in ClinVar:

NM_001317778.2(SFTPC):c.349C>A (p.Pro117Thr)

Gene: SFTPC (surfactant protein C; plus strand). Cytogenetic location: 8p21.3.
Variant type: single nucleotide variant.
Coding change: c.349C>A on transcript NM_001317778.2 (MANE Select); coding-DNA position 349, C replaced by A.
Protein change: p.Pro117Thr; replaces proline 117 with threonine.
Molecular consequence: missense variant.
Genome position (GRCh38, 1-based): chr8:22,163,460, C>A. VCF-style: chr8-22163460-C-A. GRCh37 (hg19) VCF-style: chr8-22020973-C-A.
Other names: c.349C>A, p.Pro117Thr (NM_001172357.2, NM_001172410.2, NM_001317780.2 and 8 more transcripts); c.190C>A, p.Pro64Thr (NM_001317779.2, NM_001385660.1); short protein forms P117T, P64T.
Identifiers: ClinVar variation 4864376 (VCV004864376.1).

ClinVar aggregate classification (germline): Uncertain significance (1 of 4 stars; one submission).

Conditions:
Hereditary pulmonary alveolar proteinosis. Also called: Pulmonary surfactant metabolism dysfunction. Identifiers: Orphanet 264675, MedGen C3711368, MONDO:0012580.

gnomAD v4.1: 1 of 1,614,056 alleles (0.000062%); highest among the groups gnomAD compares: Non-Finnish European, 0.000085%; no homozygotes.

Submission:

Ambry Genetics
Classification: Uncertain significance for Hereditary pulmonary alveolar proteinosis. Last evaluated: 2026-05-23. Review status: criteria provided, single submitter. Criteria: Ambry Variant Classification Scheme 2023. Collection method: clinical testing. Allele origin: germline.
Comment: The p.P117T variant (also known as c.349C>A), located in coding exon 4 of the SFTPC gene, results from a C to A substitution at nucleotide position 349. The proline at codon 117 is replaced by threonine, an amino acid with highly similar properties. This amino acid position is conserved. In addition, the in silico prediction for this alteration is inconclusive. Based on the available evidence, the clinical significance of this variant remains unclear.